The following is an entry in ClinVar:

NM_005515.4(MNX1):c.114_401del (p.Ser39_Ala134del)

Genes: MNX1 (motor neuron and pancreas homeobox 1; minus strand), LOC129999736 (ATAC-STARR-seq lymphoblastoid silent region 18858; plus strand). Cytogenetic location: 7q36.3.
Variant type: Deletion.
Coding change: c.114_401del on transcript NM_005515.4 (MANE Select); coding-DNA positions 114 to 401, 288 bases deleted.
Protein change: p.Ser39_Ala134del.
Genome position (GRCh38, 1-based): chr7:157,009,950-157,010,237, 288 bases deleted. GRCh37 (hg19): chr7:156,802,656-156,802,943.
Identifiers: ClinVar variation 4769328 (VCV004769328.1).

ClinVar aggregate classification (germline): Uncertain significance (1 of 4 stars; one submission).

Submission:

Labcorp Genetics (formerly Invitae), Labcorp
Classification: Uncertain significance. Last evaluated: 2025-10-18. Review status: criteria provided, single submitter. Criteria: Invitae Variant Classification Sherloc (09022015). Collection method: clinical testing. Allele origin: germline.
Comment: This variant, c.114_401del, results in the deletion of 96 amino acid(s) of the MNX1 protein (p.Ser39_Ala134del), but otherwise preserves the integrity of the reading frame. The frequency data for this variant in the population databases is considered unreliable, as metrics indicate insufficient coverage at this position in the gnomAD database. This variant has not been reported in the literature in individuals affected with MNX1-related conditions. Experimental studies and prediction algorithms are not available or were not evaluated, and the functional significance of this variant is currently unknown. In summary, the available evidence is currently insufficient to determine the role of this variant in disease. Therefore, it has been classified as a Variant of Uncertain Significance.